The following is an entry in ClinVar:

NM_001605.3(AARS1):c.144+4A>G

Gene: AARS1 (alanyl-tRNA synthetase 1; minus strand). Cytogenetic location: 16q22.1.
Variant type: single nucleotide variant.
Coding change: c.144+4A>G on transcript NM_001605.3 (MANE Select); 4 bases into the intron after coding-DNA position 144, A replaced by G.
Molecular consequence: intron variant.
Genome position (GRCh38, 1-based): chr16:70,282,616, T>C on the plus strand (A>G on the coding strand, the complement: AARS1 is on the minus strand). VCF-style: chr16-70282616-T-C. GRCh37 (hg19) VCF-style: chr16-70316519-T-C.
Identifiers: ClinVar variation 2780327 (VCV002780327.3), dbSNP rs781549678, ClinGen allele CA8141212.

ClinVar aggregate classification (germline): Uncertain significance (1 of 4 stars; one submission).

Conditions:
Charcot-Marie-Tooth disease type 2. Also called: Charcot-Marie-Tooth type 2. Identifiers: Orphanet 64746, MedGen C0270914, MONDO:0018993.

Allele frequency attached by ClinVar (database versions not stated): gnomAD exomes below 0.00001; TOPMed below 0.00001; ExAC 0.00001; gnomAD 0.00001.
gnomAD v4.1: 3 of 1,613,958 alleles (0.00019%); highest among the groups gnomAD compares: African/African-American, 0.004%; no homozygotes.

Submission:

Labcorp Genetics (formerly Invitae), Labcorp
Classification: Uncertain significance for Charcot-Marie-Tooth disease type 2. Last evaluated: 2023-02-22. Review status: criteria provided, single submitter. Criteria: Invitae Variant Classification Sherloc (09022015). Collection method: clinical testing. Allele origin: germline.
Comment: In summary, the available evidence is currently insufficient to determine the role of this variant in disease. Therefore, it has been classified as a Variant of Uncertain Significance. Variants that disrupt the consensus splice site are a relatively common cause of aberrant splicing (PMID: 17576681, 9536098). Algorithms developed to predict the effect of sequence changes on RNA splicing suggest that this variant is not likely to affect RNA splicing. This variant has not been reported in the literature in individuals affected with AARS-related conditions. The frequency data for this variant in the population databases is considered unreliable, as metrics indicate poor data quality at this position in the gnomAD database. This sequence change falls in intron 2 of the AARS gene. It does not directly change the encoded amino acid sequence of the AARS protein. It affects a nucleotide within the consensus splice site.

Literature cited by the submitters: PubMed 17576681; PubMed 9536098.